The following is an entry in ClinVar:

ClinVar aggregate classification (germline): Uncertain significance (1 of 4 stars; one submission).

Allele frequency attached by ClinVar (database versions not stated): gnomAD exomes below 0.00001.
gnomAD v4.1: 2 of 1,599,382 alleles (0.00013%); highest among the groups gnomAD compares: Non-Finnish European, 0.00017%; no homozygotes.

Submission:

Labcorp Genetics (formerly Invitae), Labcorp
Classification: Uncertain significance. Last evaluated: 2023-04-10. Review status: criteria provided, single submitter. Criteria: Invitae Variant Classification Sherloc (09022015). Collection method: clinical testing. Allele origin: germline.
Comment: In summary, the available evidence is currently insufficient to determine the role of this variant in disease. Therefore, it has been classified as a Variant of Uncertain Significance. Advanced modeling of protein sequence and biophysical properties (such as structural, functional, and spatial information, amino acid conservation, physicochemical variation, residue mobility, and thermodynamic stability) performed at Invitae indicates that this missense variant is not expected to disrupt KMT2B protein function. This variant has not been reported in the literature in individuals affected with KMT2B-related conditions. This variant is present in population databases (no rsID available, gnomAD 0.001%). This sequence change replaces tryptophan, which is neutral and slightly polar, with cysteine, which is neutral and slightly polar, at codon 266 of the KMT2B protein (p.Trp266Cys).

NM_014727.3(KMT2B):c.798G>T (p.Trp266Cys)

Gene: KMT2B (lysine methyltransferase 2B; plus strand). Cytogenetic location: 19q13.12.
Variant type: single nucleotide variant.
Coding change: c.798G>T on transcript NM_014727.3 (MANE Select); coding-DNA position 798, G replaced by T.
Protein change: p.Trp266Cys; replaces tryptophan 266 with cysteine.
Molecular consequence: missense variant.
Genome position (GRCh38, 1-based): chr19:35,720,145, G>T. VCF-style: chr19-35720145-G-T. GRCh37 (hg19) VCF-style: chr19-36211047-G-T.
Other names: short protein forms W266C.
Identifiers: ClinVar variation 2977959 (VCV002977959.3), dbSNP rs1476148473, ClinGen allele CA405381201.